The following is an entry in ClinVar:

NM_016203.4(PRKAG2):c.1328C>T (p.Thr443Ile)

Gene: PRKAG2 (protein kinase AMP-activated non-catalytic subunit gamma 2; minus strand). Cytogenetic location: 7q36.1.
Variant type: single nucleotide variant.
Coding change: c.1328C>T on transcript NM_016203.4 (MANE Select); coding-DNA position 1328, C replaced by T.
Protein change: p.Thr443Ile; replaces threonine 443 with isoleucine.
Molecular consequence: missense variant.
Genome position (GRCh38, 1-based): chr7:151,565,791, G>A on the plus strand (C>T on the coding strand, the complement: PRKAG2 is on the minus strand). VCF-style: chr7-151565791-G-A. GRCh37 (hg19) VCF-style: chr7-151262877-G-A.
Other names: c.1196C>T, p.Thr399Ile (NM_001040633.2, NM_001407024.1); c.953C>T, p.Thr318Ile (NM_001304527.2, NM_001407029.1); c.605C>T, p.Thr202Ile (NM_001304531.2, NM_001407034.1, NM_001407035.1 and 1 more transcripts); c.956C>T, p.Thr319Ile (NM_001363698.2, NM_001407028.1); c.1328C>T, p.Thr443Ile (NM_001407021.1); c.1325C>T, p.Thr442Ile (NM_001407022.1, NM_001407023.1); c.1193C>T, p.Thr398Ile (NM_001407026.1, NM_001407027.1); c.1040C>T, p.Thr347Ile (NM_001407030.1); and 6 more; short protein forms T201I, T318I, T319I, T347I, T442I, T202I, T218I, T335I.
Identifiers: ClinVar variation 2774164 (VCV002774164.2), dbSNP rs1806108899, ClinGen allele CA370071007.
Genomic context (GRCh38, chr7:151,565,791, plus strand): 5'-ACAACAGGCAGAGCTGATATTCGTCTTTCCACAAATATGTTCAAGGCTTTGATGATGGGA[G>A]TGTCTGGATGTATGAAGGCAATGTTGTGGTACGTTCCTATTCCAAGCTCATCCAGGTTCT-3'
Protein context (NP_057287.2, residues 433-453): YHNIAFIHPD[Thr443Ile]PIIKALNIFV

ClinVar aggregate classification (germline): Uncertain significance (1 of 4 stars; one submission).

Conditions:
Cardiomyopathy (CMYO). Also called: Cardiomyopathies. Identifiers: Orphanet 167848, MedGen C0878544, MONDO:0004994, HP:0001638. Inheritance: Various modes of inheritance.

Allele frequency attached by ClinVar (database versions not stated): gnomAD exomes below 0.00001.
gnomAD v4.1: 1 of 1,612,198 alleles (0.000062%); highest among the groups gnomAD compares: Non-Finnish European, 0.000085%; no homozygotes.

Submission:

Color Diagnostics, LLC DBA Color Health
Classification: Uncertain significance for Cardiomyopathy. Last evaluated: 2022-03-24. Review status: criteria provided, single submitter. Criteria: ACMG Guidelines, 2015. Collection method: clinical testing. Allele origin: germline.
Comment: This missense variant replaces threonine with isoleucine at codon 443 of the PRKAG2 protein. Computational prediction suggests that this variant may have deleterious impact on protein structure and function (internally defined REVEL score threshold >= 0.7, PMID: 27666373). To our knowledge, functional studies have not been reported for this variant. This variant has not been reported in individuals affected with cardiovascular disorders in the literature. This variant has not been identified in the general population by the Genome Aggregation Database (gnomAD). The available evidence is insufficient to determine the role of this variant in disease conclusively. Therefore, this variant is classified as a Variant of Uncertain Significance.